The following is an entry in ClinVar:

ClinVar aggregate classification (germline): Uncertain significance (1 of 4 stars; one submission).

Allele frequency attached by ClinVar (database versions not stated): gnomAD exomes below 0.00001; TOPMed below 0.00001; ExAC 0.00001.
gnomAD v4.1: 1 of 1,597,154 alleles (0.000063%); highest among the groups gnomAD compares: Admixed American, 0.0018%; no homozygotes.

Submission:

Labcorp Genetics (formerly Invitae), Labcorp
Classification: Uncertain significance. Last evaluated: 2023-01-15. Review status: criteria provided, single submitter. Criteria: Invitae Variant Classification Sherloc (09022015). Collection method: clinical testing. Allele origin: germline.
Comment: In summary, the available evidence is currently insufficient to determine the role of this variant in disease. Therefore, it has been classified as a Variant of Uncertain Significance. This variant disrupts the p.Asp304 amino acid residue in ADSSL1. Other variant(s) that disrupt this residue have been determined to be pathogenic (PMID: 26506222, 32331917). This suggests that this residue is clinically significant, and that variants that disrupt this residue are likely to be disease-causing. An algorithm developed to predict the effect of missense changes on protein structure and function (PolyPhen-2) suggests that this variant is likely to be disruptive. This variant has not been reported in the literature in individuals affected with ADSSL1-related conditions. This variant is present in population databases (rs751342846, gnomAD 0.003%). This sequence change replaces aspartic acid, which is acidic and polar, with alanine, which is neutral and non-polar, at codon 304 of the ADSSL1 protein (p.Asp304Ala).

Literature cited by the submitters: PubMed 26506222; PubMed 32331917.

NM_152328.5(ADSS1):c.782A>C (p.Asp261Ala)

Gene: ADSS1 (adenylosuccinate synthase 1; plus strand). Cytogenetic location: 14q32.33.
Variant type: single nucleotide variant.
Coding change: c.782A>C on transcript NM_152328.5 (MANE Select); coding-DNA position 782, A replaced by C.
Protein change: p.Asp261Ala; replaces aspartic acid 261 with alanine.
Molecular consequence: missense variant.
Genome position (GRCh38, 1-based): chr14:104,741,232, A>C. VCF-style: chr14-104741232-A-C. GRCh37 (hg19) VCF-style: chr14-105207569-A-C.
Other names: c.167A>C, p.Asp56Ala (NM_001320424.1); c.911A>C, p.Asp304Ala (NM_199165.2); short protein forms D261A, D56A, D304A.
Identifiers: ClinVar variation 2974260 (VCV002974260.3), dbSNP rs751342846, ClinGen allele CA7373845.